The following is an entry in ClinVar:

NM_012424.6(RPS6KC1):c.947C>T (p.Ser316Phe)

Gene: RPS6KC1 (ribosomal protein S6 kinase C1; plus strand). Cytogenetic location: 1q32.3.
Variant type: single nucleotide variant.
Coding change: c.947C>T on transcript NM_012424.6 (MANE Select); coding-DNA position 947, C replaced by T.
Protein change: p.Ser316Phe; replaces serine 316 with phenylalanine.
Molecular consequence: missense variant. On other transcripts: 5 prime UTR variant (15), non-coding transcript variant (4).
Genome position (GRCh38, 1-based): chr1:213,167,969, C>T. VCF-style: chr1-213167969-C-T. GRCh37 (hg19) VCF-style: chr1-213341312-C-T.
Other names: c.911C>T, p.Ser304Phe (NM_001136138.4); c.404C>T, p.Ser135Phe (NM_001287218.3, NM_001287219.3, NM_001287221.3 and 7 more transcripts); c.-268C>T (NM_001287220.3, NM_001349665.2, NM_001349666.2 and 5 more transcripts); c.947C>T, p.Ser316Phe (NM_001349646.2); c.584C>T, p.Ser195Phe (NM_001349647.2); c.56C>T, p.Ser19Phe (NM_001349657.2, NM_001349658.2); c.-341C>T (NM_001349659.2); c.-261C>T (NM_001349660.2, NM_001349661.2, NM_001349662.2); and 1 more; short protein forms S195F, S19F, S135F, S304F, S316F.
Identifiers: ClinVar variation 2963162 (VCV002963162.3), dbSNP rs1014878313, ClinGen allele CA37270790.

ClinVar aggregate classification (germline): Uncertain significance (1 of 4 stars; one submission).

Allele frequency attached by ClinVar (database versions not stated): gnomAD exomes below 0.00001; gnomAD 0.00001.
gnomAD v4.1: 4 of 1,595,368 alleles (0.00025%); highest among the groups gnomAD compares: Admixed American, 0.0067%; no homozygotes.

Submission:

Labcorp Genetics (formerly Invitae), Labcorp
Classification: Uncertain significance. Last evaluated: 2023-07-08. Review status: criteria provided, single submitter. Criteria: Invitae Variant Classification Sherloc (09022015). Collection method: clinical testing. Allele origin: germline.
Comment: This variant has not been reported in the literature in individuals affected with RPS6KC1-related conditions. This variant is present in population databases (no rsID available, gnomAD 0.01%). This sequence change replaces serine, which is neutral and polar, with phenylalanine, which is neutral and non-polar, at codon 316 of the RPS6KC1 protein (p.Ser316Phe). In summary, the available evidence is currently insufficient to determine the role of this variant in disease. Therefore, it has been classified as a Variant of Uncertain Significance. An algorithm developed to predict the effect of missense changes on protein structure and function (PolyPhen-2) suggests that this variant is likely to be tolerated.